The following is an entry in ClinVar:

ClinVar aggregate classification (germline): Uncertain significance (1 of 4 stars; one submission).

Conditions:
Cardiovascular phenotype. Identifiers: MedGen CN230736.

Allele frequency attached by ClinVar (database versions not stated): gnomAD exomes below 0.00001.
gnomAD v4.1: 1 of 1,498,376 alleles (0.000067%); highest among the groups gnomAD compares: Non-Finnish European, 0.000089%; no homozygotes.

Submission:

Ambry Genetics
Classification: Uncertain significance for Cardiovascular phenotype. Last evaluated: 2021-07-01. Review status: criteria provided, single submitter. Criteria: Ambry Variant Classification Scheme 2023. Collection method: clinical testing. Allele origin: germline.
Comment: The p.V1055G variant (also known as c.3164T>G), located in coding exon 1 of the ZNF469 gene, results from a T to G substitution at nucleotide position 3164. The valine at codon 1055 is replaced by glycine, an amino acid with dissimilar properties. This amino acid position is conserved. In addition, the in silico prediction for this alteration is inconclusive. Since supporting evidence is limited at this time, the clinical significance of this alteration remains unclear.

NM_001367624.2(ZNF469):c.3164T>G (p.Val1055Gly)

Genes: ZNF469 (zinc finger protein 469; plus strand), LOC130059718 (ATAC-STARR-seq lymphoblastoid silent region 7847; plus strand). Cytogenetic location: 16q24.2.
Variant type: single nucleotide variant.
Coding change: c.3164T>G on transcript NM_001367624.2 (MANE Select); coding-DNA position 3164, T replaced by G.
Protein change: p.Val1055Gly; replaces valine 1055 with glycine.
Molecular consequence: missense variant.
Genome position (GRCh38, 1-based): chr16:88,430,634, T>G. VCF-style: chr16-88430634-T-G. GRCh37 (hg19) VCF-style: chr16-88497042-T-G.
Other names: NM_001127464.1:c.3164T>G; short protein forms V1055G.
Identifiers: ClinVar variation 1728349 (VCV001728349.2), dbSNP rs1200500110, ClinGen allele CA397078220.